The following is an entry in ClinVar:

ClinVar aggregate classification (germline): Benign (1 of 4 stars; one submission).

Allele frequency attached by ClinVar (database versions not stated): 1000 Genomes Project 30x 0.25250; 1000 Genomes Project 0.25679; TOPMed 0.32745; gnomAD exomes 0.39474.
gnomAD v4.1: 52,541 of 152,000 alleles (35%); highest among the groups gnomAD compares: Non-Finnish European, 48%; 11,261 homozygotes.

Submission:

Unidad de Genómica Garrahan, Hospital de Pediatría Garrahan
Classification: Benign. Last evaluated: 2024-07-15. Review status: criteria provided, single submitter. Criteria: ACMG Guidelines, 2015. Collection method: clinical testing. Allele origin: germline. Affected: no. Observed: 55 variant alleles.
Comment: This variant is classified as Benign based on local population frequency. This variant was detected in 59% of patients studied in a panel designed for Epileptic and Developmental Encephalopathy and Progressive Myoclonus Epilepsy. Number of patients: 55. Only high quality variants are reported.

NM_012301.4(MAGI2):c.539-32984G>C

Gene: MAGI2 (membrane associated guanylate kinase, WW and PDZ domain containing 2; minus strand). Cytogenetic location: 7q21.11.
Variant type: single nucleotide variant.
Coding change: c.539-32984G>C on transcript NM_012301.4 (MANE Select); 32984 bases into the intron before coding-DNA position 539, G replaced by C.
Molecular consequence: intron variant.
Genome position (GRCh38, 1-based): chr7:78,554,629, C>G on the plus strand (G>C on the coding strand, the complement: MAGI2 is on the minus strand). VCF-style: chr7-78554629-C-G. GRCh37 (hg19) VCF-style: chr7-78183946-C-G.
Other names: c.539-32984G>C (NM_001301128.2).
Identifiers: ClinVar variation 3255264 (VCV003255264.2), dbSNP rs59030687.